The following is an entry in ClinVar:

NM_000179.3(MSH6):c.1873T>C (p.Ser625Pro)

Gene: MSH6 (mutS homolog 6; plus strand). Cytogenetic location: 2p16.3.
Variant type: single nucleotide variant.
Coding change: c.1873T>C on transcript NM_000179.3 (MANE Select); coding-DNA position 1873, T replaced by C.
Protein change: p.Ser625Pro; replaces serine 625 with proline.
Molecular consequence: missense variant.
Genome position (GRCh38, 1-based): chr2:47,799,856, T>C. VCF-style: chr2-47799856-T-C. GRCh37 (hg19) VCF-style: chr2-48026995-T-C.
Other names: c.1483T>C, p.Ser495Pro (NM_001281492.2); c.967T>C, p.Ser323Pro (NM_001281493.2, NM_001281494.2); short protein forms S323P, S495P, S625P.
Identifiers: ClinVar variation 1692248 (VCV001692248.4), dbSNP rs2104373196, ClinGen allele CA346749912.
Genomic context (GRCh38, chr2:47,799,856, plus strand): 5'-ACTAAAACAATTCTAAAGAGTTCATTGTCCTGTTCTCTTCAGGAAGGTCTGATACCCGGC[T>C]CCCAGTTTTGGGATGCATCCAAAACTTTGAGAACTCTCCTTGAGGAAGAATATTTTAGGG-3'
Protein context (NP_000170.1, residues 615-635): CSLQEGLIPG[Ser625Pro]QFWDASKTLR

ClinVar aggregate classification (germline): Uncertain significance. Review status: criteria provided, multiple submitters, no conflicts (2 of 4 stars). 2 submissions from 2 submitters: Uncertain significance (2). Last evaluated 2024-09-16.

Conditions:
Hereditary cancer-predisposing syndrome. Also called: Hereditary Cancer Syndrome; Hereditary neoplastic syndrome; Neoplastic Syndromes, Hereditary; Tumor predisposition. Identifiers: Orphanet 140162, MedGen C0027672, MeSH D009386, MONDO:0015356.

Submissions (2):

Ambry Genetics
Classification: Uncertain significance for Hereditary cancer-predisposing syndrome. Last evaluated: 2024-09-16. Review status: criteria provided, single submitter. Criteria: Ambry Variant Classification Scheme 2023. Collection method: clinical testing. Allele origin: germline.
Comment: The p.S625P variant (also known as c.1873T>C), located in coding exon 4 of the MSH6 gene, results from a T to C substitution at nucleotide position 1873. The serine at codon 625 is replaced by proline, an amino acid with similar properties. This amino acid position is well conserved in available vertebrate species. In addition, the in silico prediction for this alteration is inconclusive. Based on the available evidence, the clinical significance of this variant remains unclear.

Sema4
Classification: Uncertain significance for Hereditary cancer-predisposing syndrome. Last evaluated: 2022-02-04. Review status: criteria provided, single submitter. Criteria: Sema4 Curation Guidelines. Collection method: curation. Allele origin: germline.
Comment: The MSH6 c.1873T>C (p.S625P) variant has not been reported in the literature to our knowledge. It was not observed in the large and broad cohorts of the Genome Aggregation Database (PMID: 32461654). The variant has not been reported in ClinVar. Functional studies have not been performed, and in silico predictions of the variant's effect on protein function are inconclusive. The evidence is insufficient to meet ACMG/AMP criteria for classifying the variant as benign or pathogenic. Thus, the clinical significance of this variant is currently uncertain.